The following is an entry in ClinVar:

ClinVar aggregate classification (germline): Uncertain significance. Review status: criteria provided, multiple submitters, no conflicts (2 of 4 stars). 3 submissions from 3 submitters: Uncertain significance (3). Last evaluated 2024-04-22.

Conditions:
Hereditary cancer-predisposing syndrome. Also called: Hereditary neoplastic syndrome; Neoplastic Syndromes, Hereditary; Hereditary Cancer Syndrome; Tumor predisposition. Identifiers: Orphanet 140162, MedGen C0027672, MeSH D009386, MONDO:0015356.
Familial cancer of breast. Also called: Hereditary breast cancer; BREAST CANCER, FAMILIAL; hereditary breast carcinoma. Identifiers: Orphanet 227535, MedGen C0346153, MONDO:0016419, OMIM 114480. Disease mechanism: loss of function.

Submissions (3):

Ambry Genetics
Classification: Uncertain significance for Hereditary cancer-predisposing syndrome. Last evaluated: 2024-04-22. Review status: criteria provided, single submitter. Criteria: Ambry Variant Classification Scheme 2023. Collection method: clinical testing. Allele origin: germline.
Comment: The p.F884I variant (also known as c.2650T>A), located in coding exon 18 of the BRIP1 gene, results from a T to A substitution at nucleotide position 2650. The phenylalanine at codon 884 is replaced by isoleucine, an amino acid with highly similar properties. This amino acid position is conserved. In addition, this alteration is predicted to be deleterious by in silico analysis. Based on the available evidence, the clinical significance of this variant remains unclear.

Baylor Genetics
Classification: Uncertain significance for Familial cancer of breast. Last evaluated: 2023-05-11. Review status: criteria provided, single submitter. Criteria: ACMG Guidelines, 2015. Collection method: clinical testing. Allele origin: unknown.

GeneDx
Classification: Uncertain significance. Last evaluated: 2014-01-09. Review status: criteria provided, single submitter. Criteria: GeneDx Variant Classification (06012015). Collection method: clinical testing. Allele origin: germline. Affected: yes.
Comment: This variant is denoted BRIP1 c.2650T>A at the cDNA level, p.Phe884Ile (F884I) at the protein level, and results in the change of a Phenylalanine to an Isoleucine (TTT>ATT). This variant has not, to our knowledge, been published in the literature as pathogenic or benign. BRIP1 Phe884Ile was not observed in approximately 6,500 individuals of European and African American ancestry in the NHLBI Exome Sequencing Project, indicating it is not a common benign variant in these populations. This variant is a conservative substitution of one neutral non-polar amino acid for another, altering a position that is well conserved throughout evolution and is not located in a known functional domain. Multiple in silico algorithms predict that this variant may be damaging to protein structure and function. Based on currently available information, it is unclear whether BRIP1 Phe884Ile is pathogenic or benign. We consider it to be a variant of uncertain significance. Furthermore, BRIP1 has been only recently described in association with cancer predisposition and the risks are not well understood.

NM_032043.3(BRIP1):c.2650T>A (p.Phe884Ile)

Gene: BRIP1 (BRCA1 interacting DNA helicase 1; minus strand). Cytogenetic location: 17q23.2.
Variant type: single nucleotide variant.
Coding change: c.2650T>A on transcript NM_032043.3 (MANE Select); coding-DNA position 2650, T replaced by A.
Protein change: p.Phe884Ile; replaces phenylalanine 884 with isoleucine.
Molecular consequence: missense variant.
Genome position (GRCh38, 1-based): chr17:61,686,091, A>T on the plus strand (T>A on the coding strand, the complement: BRIP1 is on the minus strand). VCF-style: chr17-61686091-A-T. GRCh37 (hg19) VCF-style: chr17-59763452-A-T.
Other names: p.F884I:TTT>ATT; short protein forms F884I.
Identifiers: ClinVar variation 128178 (VCV000128178.4), dbSNP rs587780243, ClinGen allele CA288564.